The following is an entry in ClinVar:

NM_000245.4(MET):c.1881T>C (p.Gly627=)

Gene: MET (MET proto-oncogene, receptor tyrosine kinase; plus strand). Cytogenetic location: 7q31.2.
Variant type: single nucleotide variant.
Coding change: c.1881T>C on transcript NM_000245.4 (MANE Select); coding-DNA position 1881, T replaced by C.
Protein change: p.Gly627=; no amino-acid change (glycine 627 retained).
Molecular consequence: synonymous variant.
Genome position (GRCh38, 1-based): chr7:116,757,455, T>C. VCF-style: chr7-116757455-T-C. GRCh37 (hg19) VCF-style: chr7-116397509-T-C.
Other names: c.1881T>C, p.Gly627= (NM_001127500.3, NM_001324401.3); c.591T>C, p.Gly197= (NM_001324402.2); c.1881T>C (NM_001127500.2).
Identifiers: ClinVar variation 454202 (VCV000454202.35), dbSNP rs200050499, ClinGen allele CA4448314.

ClinVar aggregate classification (germline): Benign/Likely benign. Review status: criteria provided, multiple submitters, no conflicts (2 of 4 stars). 9 submissions from 9 submitters: Benign (1); Likely benign (8). Last evaluated 2026-02-25.

Conditions:
Osteofibrous dysplasia (OSFD). Also called: Tibia, bowing of, with pseudarthrosis and pectus excavatum. Identifiers: Orphanet 488265, MedGen C4085248, MONDO:0011806, OMIM 607278.
Hepatocellular carcinoma (HCC). Also called: Primary carcinoma of liver; HEPATOMA; LIVER CELL CARCINOMA. Identifiers: Orphanet 88673, MedGen C2239176, MONDO:0007256, OMIM 114550, HP:0001402.
Arthrogryposis, distal, IIa 11. Also called: Arthrogryposis, distal, type 11. Identifiers: MedGen C5774205, MONDO:0031045, OMIM 620019.
Papillary renal cell carcinoma type 1 (RCCP1). Also called: RENAL CELL CARCINOMA, PAPILLARY, 1, SOMATIC; Renal adenocarcinoma; Renal cell carcinoma 1; Renal cell carcinoma, somatic. Identifiers: Orphanet 47044, MedGen C1336839, OMIM 605074, HP:0011797.
Autosomal recessive nonsyndromic hearing loss 97. Also called: Deafness, autosomal recessive 97. Identifiers: Orphanet 90636, MedGen C4084709, MONDO:0014739, OMIM 616705.
MET-related disorder. Also called: MET-related condition.
Renal cell carcinoma. Identifiers: Orphanet 217071, MedGen C0007134, MeSH D002292, MONDO:0005086, HP:0005584.
Hereditary cancer-predisposing syndrome. Also called: Hereditary neoplastic syndrome; Neoplastic Syndromes, Hereditary; Hereditary Cancer Syndrome; Tumor predisposition. Identifiers: Orphanet 140162, MedGen C0027672, MeSH D009386, MONDO:0015356.

Allele frequency attached by ClinVar (database versions not stated): gnomAD exomes 0.00001 and 0.00005; ExAC 0.00002; gnomAD 0.00003 and 0.00004; TOPMed 0.00003.
gnomAD v4.1: 86 of 1,613,242 alleles (0.0053%); highest among the groups gnomAD compares: Middle Eastern, 0.053%; no homozygotes.

Submissions (9):

PreventionGenetics, part of Exact Sciences
Classification: Likely benign for MET-related condition. Last evaluated: 2026-02-25. Review status: criteria provided, single submitter. Criteria: ACMG Guidelines, 2015. Collection method: clinical testing. Allele origin: germline.
Comment: This variant is classified as likely benign based on ACMG/AMP sequence variant interpretation guidelines (Richards et al. 2015 PMID: 25741868, with internal and published modifications).

Labcorp Genetics (formerly Invitae), Labcorp
Classification: Likely benign for Renal cell carcinoma. Last evaluated: 2025-12-03. Review status: criteria provided, single submitter. Criteria: Invitae Variant Classification Sherloc (09022015). Collection method: clinical testing. Allele origin: germline.

CeGaT Center for Human Genetics Tuebingen
Classification: Likely benign. Last evaluated: 2025-12-01. Review status: criteria provided, single submitter. Criteria: CeGaT Center For Human Genetics Tuebingen Variant Classification Criteria Version 2. Collection method: clinical testing. Allele origin: germline. Affected: yes. Observed: 2 variant alleles.
Comment: MET: BP4, BP7

Department of Pathology and Laboratory Medicine, Sinai Health System
Classification: Likely benign for Hepatocellular carcinoma; Papillary renal cell carcinoma type 1; Osteofibrous dysplasia; Autosomal recessive nonsyndromic hearing loss 97; Arthrogryposis, distal, IIa 11. Last evaluated: 2025-02-21. Review status: criteria provided, single submitter. Criteria: ACMG Guidelines, 2015. Collection method: clinical testing. Allele origin: germline.

Quest Diagnostics Nichols Institute San Juan Capistrano
Classification: Likely benign. Last evaluated: 2024-12-18. Review status: criteria provided, single submitter. Criteria: Quest Diagnostics criteria. Collection method: clinical testing. Allele origin: unknown.

Myriad Genetics, Inc.
Classification: Benign for Papillary renal cell carcinoma type 1. Last evaluated: 2024-11-08. Review status: criteria provided, single submitter. Criteria: Myriad Autosomal Dominant, Autosomal Recessive and X-Linked Classification Criteria (2023). Collection method: clinical testing. Allele origin: unknown.
Comment: This variant is considered benign. This variant is a silent/synonymous amino acid change and it is not expected to impact splicing.

KCCC/NGS Laboratory, Kuwait Cancer Control Center
Classification: Likely benign for Papillary renal cell carcinoma type 1. Last evaluated: 2023-07-07. Review status: criteria provided, single submitter. Criteria: ACMG Guidelines, 2015. Collection method: clinical testing. Allele origin: germline. Affected: yes.

GeneDx
Classification: Likely benign. Last evaluated: 2020-10-30. Review status: criteria provided, single submitter. Criteria: GeneDx Variant Classification Process June 2021. Collection method: clinical testing. Allele origin: germline. Affected: yes.

Ambry Genetics
Classification: Likely benign for Hereditary cancer-predisposing syndrome. Last evaluated: 2019-08-30. Review status: criteria provided, single submitter. Criteria: Ambry Variant Classification Scheme 2023. Collection method: clinical testing. Allele origin: germline.